The following is an entry in ClinVar:

NM_005228.5(EGFR):c.1387A>C (p.Ile463Leu)

Gene: EGFR (epidermal growth factor receptor; plus strand). Cytogenetic location: 7p11.2.
Variant type: single nucleotide variant.
Coding change: c.1387A>C on transcript NM_005228.5 (MANE Select); coding-DNA position 1387, A replaced by C.
Protein change: p.Ile463Leu; replaces isoleucine 463 with leucine.
Molecular consequence: missense variant.
Genome position (GRCh38, 1-based): chr7:55,160,227, A>C. VCF-style: chr7-55160227-A-C. GRCh37 (hg19) VCF-style: chr7-55227920-A-C.
Other names: c.1252A>C, p.Ile418Leu (NM_001346897.2, NM_001346899.2); c.1387A>C, p.Ile463Leu (NM_001346898.2, NM_201282.2, NM_201284.2); c.1228A>C, p.Ile410Leu (NM_001346900.2); c.586A>C, p.Ile196Leu (NM_001346941.2); short protein forms I196L, I463L, I418L, I410L.
Identifiers: ClinVar variation 4743408 (VCV004743408.1).
Genomic context (GRCh38, chr7:55,160,227, plus strand): 5'-CTGAACATAACATCCTTGGGATTACGCTCCCTCAAGGAGATAAGTGATGGAGATGTGATA[A>C]TTTCAGGAAACAAAAATTTGTGCTATGCAAATACAATAAACTGGAAAAAACTGTTTGGGA-3'
Protein context (NP_005219.2, residues 453-473): LKEISDGDVI[Ile463Leu]SGNKNLCYAN

ClinVar aggregate classification (germline): Uncertain significance (1 of 4 stars; one submission).

Conditions:
EGFR-related lung cancer (EGFR). Identifiers: MedGen CN130014.

Submission:

Labcorp Genetics (formerly Invitae), Labcorp
Classification: Uncertain significance for EGFR-related lung cancer. Last evaluated: 2025-11-18. Review status: criteria provided, single submitter. Criteria: Invitae Variant Classification Sherloc (09022015). Collection method: clinical testing. Allele origin: germline.
Comment: This sequence change replaces isoleucine, which is neutral and non-polar, with leucine, which is neutral and non-polar, at codon 463 of the EGFR protein (p.Ile463Leu). This variant is not present in population databases (gnomAD no frequency). This variant has not been reported in the literature in individuals affected with EGFR-related conditions. Invitae Evidence Modeling of protein sequence and biophysical properties (such as structural, functional, and spatial information, amino acid conservation, physicochemical variation, residue mobility, and thermodynamic stability) indicates that this missense variant is not expected to disrupt EGFR protein function with a negative predictive value of 80%. In summary, the available evidence is currently insufficient to determine the role of this variant in disease. Therefore, it has been classified as a Variant of Uncertain Significance.